The following is an entry in ClinVar:

ClinVar aggregate classification (germline): Benign/Likely benign. Review status: criteria provided, multiple submitters, no conflicts (2 of 4 stars). 3 submissions from 3 submitters: Benign (1); Likely benign (2). Last evaluated 2026-04-22.

Conditions:
Colorectal cancer, susceptibility to, 1. Also called: COLORECTAL ADENOMA AND CANCER, SUSCEPTIBILITY TO; COLORECTAL CANCER, SUSCEPTIBILITY TO, ON CHROMOSOME 9. Identifiers: MedGen C1837315, MONDO:0012132, OMIM 608812.

Allele frequency attached by ClinVar (database versions not stated): TOPMed below 0.00001.

Submissions (3):

Myriad Genetics, Inc.
Classification: Benign for Colorectal cancer, susceptibility to, 1. Last evaluated: 2026-04-22. Review status: criteria provided, single submitter. Criteria: Myriad Autosomal Dominant, Autosomal Recessive and X-Linked Classification Criteria (2023). Collection method: clinical testing. Allele origin: unknown.
Comment: This variant is considered benign. This variant is a silent/synonymous amino acid change and it is not expected to impact splicing.

Labcorp Genetics (formerly Invitae), Labcorp
Classification: Likely benign. Last evaluated: 2023-08-11. Review status: criteria provided, single submitter. Criteria: Invitae Variant Classification Sherloc (09022015). Collection method: clinical testing. Allele origin: germline.

Ambry Genetics
Classification: Likely benign. Last evaluated: 2021-03-24. Review status: criteria provided, single submitter. Criteria: Ambry Variant Classification Scheme 2023. Collection method: clinical testing. Allele origin: germline.

NM_024642.5(GALNT12):c.27C>T (p.Arg9=)

Gene: GALNT12 (polypeptide N-acetylgalactosaminyltransferase 12; plus strand). Cytogenetic location: 9q22.33.
Variant type: single nucleotide variant.
Coding change: c.27C>T on transcript NM_024642.5 (MANE Select); coding-DNA position 27, C replaced by T.
Protein change: p.Arg9=; no amino-acid change (arginine 9 retained).
Molecular consequence: synonymous variant.
Genome position (GRCh38, 1-based): chr9:98,807,725, C>T. VCF-style: chr9-98807725-C-T. GRCh37 (hg19) VCF-style: chr9-101570007-C-T.
Identifiers: ClinVar variation 760286 (VCV000760286.14), dbSNP rs1476231046, ClinGen allele CA466423660.
Genomic context (GRCh38, chr9:98,807,725, plus strand): 5'-GGCGCGCAGATCGCTGGCTGCAGTTGGCGGGCGCATGTGGGGGCGCACGGCGCGGCGGCG[C>T]TGCCCGCGGGAACTGCGGCGCGGCCGGGAGGCGCTGTTGGTGCTCCTGGCGCTACTGGCG-3'
Protein context (NP_078918.3, residues 1-19): MWGRTARR[Arg9=]CPRELRRGRE